The following is an entry in ClinVar:

NM_000429.3(MAT1A):c.617C>T (p.Ser206Phe)

Gene: MAT1A (methionine adenosyltransferase 1A; minus strand). Cytogenetic location: 10q22.3.
Variant type: single nucleotide variant.
Coding change: c.617C>T on transcript NM_000429.3 (MANE Select); coding-DNA position 617, C replaced by T.
Protein change: p.Ser206Phe; replaces serine 206 with phenylalanine.
Molecular consequence: missense variant.
Genome position (GRCh38, 1-based): chr10:80,276,527, G>A on the plus strand (C>T on the coding strand, the complement: MAT1A is on the minus strand). VCF-style: chr10-80276527-G-A. GRCh37 (hg19) VCF-style: chr10-82036283-G-A.
Other names: short protein forms S206F.
Identifiers: ClinVar variation 944479 (VCV000944479.10), dbSNP rs1222154319, ClinGen allele CA377362202.

ClinVar aggregate classification (germline): Uncertain significance (1 of 4 stars; one submission).

Conditions:
Hepatic methionine adenosyltransferase deficiency. Also called: MAT I/III DEFICIENCY; Deficiency of methionine adenosyltransferase; Isolated Persistent Hypermethioninemia; Methionine adenosyltransferase deficiency. Identifiers: Orphanet 168598, MedGen C0268621, MeSH C564683, MONDO:0009607, OMIM 250850.

Allele frequency attached by ClinVar (database versions not stated): gnomAD 0.00001; TOPMed 0.00002.

Submission:

Labcorp Genetics (formerly Invitae), Labcorp
Classification: Uncertain significance for Hepatic methionine adenosyltransferase deficiency. Last evaluated: 2019-05-01. Review status: criteria provided, single submitter. Criteria: Invitae Variant Classification Sherloc (09022015). Collection method: clinical testing. Allele origin: germline.
Comment: In summary, the available evidence is currently insufficient to determine the role of this variant in disease. Therefore, it has been classified as a Variant of Uncertain Significance. Algorithms developed to predict the effect of missense changes on protein structure and function (SIFT, PolyPhen-2, Align-GVGD) all suggest that this variant is likely to be disruptive, but these predictions have not been confirmed by published functional studies and their clinical significance is uncertain. This variant has not been reported in the literature in individuals with MAT1A-related conditions. This variant is not present in population databases (ExAC no frequency). This sequence change replaces serine with phenylalanine at codon 206 of the MAT1A protein (p.Ser206Phe). The serine residue is highly conserved and there is a large physicochemical difference between serine and phenylalanine.